The following is an entry in ClinVar:

NM_001374736.1(DST):c.22760-15G>A

Gene: DST (dystonin; minus strand). Cytogenetic location: 6p12.1.
Variant type: single nucleotide variant.
Coding change: c.22760-15G>A on transcript NM_001374736.1 (MANE Select); 15 bases into the intron before coding-DNA position 22760, G replaced by A.
Molecular consequence: intron variant.
Genome position (GRCh38, 1-based): chr6:56,463,779, C>T on the plus strand (G>A on the coding strand, the complement: DST is on the minus strand). VCF-style: chr6-56463779-C-T. GRCh37 (hg19) VCF-style: chr6-56328577-C-T.
Other names: c.16331-15G>A (NM_001144769.5); c.22688-15G>A (NM_001374722.1); c.22715-15G>A (NM_001374734.1); c.15917-15G>A (NM_001144770.2); c.15542-15G>A (NM_001374730.1); c.15779-15G>A (NM_001386100.1); c.15797-15G>A (NM_183380.4); c.21800-15G>A (NM_001374729.1); and 1 more.
Identifiers: ClinVar variation 2113252 (VCV002113252.4), dbSNP rs2533289161, ClinGen allele CA2580075562.

ClinVar aggregate classification (germline): Uncertain significance (1 of 4 stars; one submission).

Conditions:
Hereditary sensory and autonomic neuropathy type 6. Also called: HSAN VI; Neuropathy, hereditary sensory and autonomic, type VI. Identifiers: Orphanet 314381, MedGen C3539003, MONDO:0013839, OMIM 614653.
Epidermolysis bullosa simplex 3, localized or generalized intermediate, with BP230 deficiency (EBS3). Also called: Epidermolysis bullosa simplex, autosomal recessive 2; Epidermolysis bullosa simplex due to BP230 deficiency. Identifiers: Orphanet 412181, MedGen C3809470, MONDO:0014180, OMIM 615425.

Submission:

Labcorp Genetics (formerly Invitae), Labcorp
Classification: Uncertain significance for Epidermolysis bullosa simplex 3, localized or generalized intermediate, with BP230 deficiency; Hereditary sensory and autonomic neuropathy type 6. Last evaluated: 2022-03-17. Review status: criteria provided, single submitter. Criteria: Invitae Variant Classification Sherloc (09022015). Collection method: clinical testing. Allele origin: germline.
Comment: The DST gene has multiple clinically relevant transcripts. This variant occurs in alternate transcript NM_015548.4, and corresponds to NM_001723.5:c.*151738G>A in the primary transcript. This sequence change falls in intron 80 of the DST gene. It does not directly change the encoded amino acid sequence of the DST protein. This variant is not present in population databases (gnomAD no frequency). This variant has not been reported in the literature in individuals affected with DST-related conditions. Experimental studies and prediction algorithms are not available or were not evaluated, and the effect of this variant on mRNA splicing is currently unknown. In summary, the available evidence is currently insufficient to determine the role of this variant in disease. Therefore, it has been classified as a Variant of Uncertain Significance.